The following is an entry in ClinVar:

NM_000488.4(SERPINC1):c.1099C>G (p.Leu367Val)

Gene: SERPINC1 (serpin family C member 1; minus strand). Cytogenetic location: 1q25.1.
Variant type: single nucleotide variant.
Coding change: c.1099C>G on transcript NM_000488.4 (MANE Select); coding-DNA position 1099, C replaced by G.
Protein change: p.Leu367Val; replaces leucine 367 with valine.
Molecular consequence: missense variant.
Genome position (GRCh38, 1-based): chr1:173,909,606, G>C on the plus strand (C>G on the coding strand, the complement: SERPINC1 is on the minus strand). VCF-style: chr1-173909606-G-C. GRCh37 (hg19) VCF-style: chr1-173878744-G-C.
Other names: c.955C>G, p.Leu319Val (NM_001365052.2); c.1222C>G, p.Leu408Val (NM_001386302.1); c.1180C>G, p.Leu394Val (NM_001386303.1); c.1078C>G, p.Leu360Val (NM_001386304.1); c.1042C>G, p.Leu348Val (NM_001386305.1); c.883C>G, p.Leu295Val (NM_001386306.1); short protein forms L367V, L319V, L295V, L348V, L360V, L394V, L408V.
Identifiers: ClinVar variation 850710 (VCV000850710.6), dbSNP rs1657673747, ClinGen allele CA343773577.
Genomic context (GRCh38, chr1:173,909,606, plus strand): 5'-ACAAACCTGGGAGTTTGGACTTTTCAGGGCTGAACAGATCGACAAGGCCCATGTCTTGCA[G>C]CTGCTCCTTCAAACTGAAGCCGTCCTCAATGCGGAAGCGGGGCATGTGGACCACCAGCAT-3'
Protein context (NP_000479.1, residues 357-377): IEDGFSLKEQ[Leu367Val]QDMGLVDLFS

ClinVar aggregate classification (germline): Uncertain significance (1 of 4 stars; one submission).

Conditions:
Hereditary antithrombin deficiency (AT3D). Also called: Antithrombin III deficiency; Thrombophilia due to antithrombin III deficiency; Antithrombin deficiency; Reduced antithrombin III activity. Identifiers: Orphanet 82, MedGen C0272375, MONDO:0013144, OMIM 613118, HP:0001976.

Allele frequency attached by ClinVar (database versions not stated): TOPMed below 0.00001.

Submission:

Labcorp Genetics (formerly Invitae), Labcorp
Classification: Uncertain significance for Hereditary antithrombin deficiency. Last evaluated: 2019-12-06. Review status: criteria provided, single submitter. Criteria: Invitae Variant Classification Sherloc (09022015). Collection method: clinical testing. Allele origin: germline.
Comment: Algorithms developed to predict the effect of sequence changes on RNA splicing suggest that this variant may create or strengthen a splice site, but this prediction has not been confirmed by published transcriptional studies. Algorithms developed to predict the effect of missense changes on protein structure and function (SIFT, PolyPhen-2, Align-GVGD) all suggest that this variant is likely to be disruptive, but these predictions have not been confirmed by published functional studies and their clinical significance is uncertain. This variant has not been reported in the literature in individuals with SERPINC1-related conditions. This variant is not present in population databases (ExAC no frequency). This sequence change replaces leucine with valine at codon 367 of the SERPINC1 protein (p.Leu367Val). The leucine residue is highly conserved and there is a small physicochemical difference between leucine and valine. In summary, the available evidence is currently insufficient to determine the role of this variant in disease. Therefore, it has been classified as a Variant of Uncertain Significance.